The following is an entry in ClinVar:

NM_019842.4(KCNQ5):c.2444T>C (p.Leu815Pro)

Gene: KCNQ5 (potassium voltage-gated channel subfamily Q member 5; plus strand). Cytogenetic location: 6q13.
Variant type: single nucleotide variant.
Coding change: c.2444T>C on transcript NM_019842.4 (MANE Select); coding-DNA position 2444, T replaced by C.
Protein change: p.Leu815Pro; replaces leucine 815 with proline.
Molecular consequence: missense variant.
Genome position (GRCh38, 1-based): chr6:73,195,059, T>C. VCF-style: chr6-73195059-T-C. GRCh37 (hg19) VCF-style: chr6-73904782-T-C.
Other names: c.2417T>C, p.Leu806Pro (NM_001160130.2); c.2474T>C, p.Leu825Pro (NM_001160132.2); c.2501T>C, p.Leu834Pro (NM_001160133.2); c.2114T>C, p.Leu705Pro (NM_001160134.2); c.2501T>C (NM_001160133.1); short protein forms L825P, L834P, L806P, L705P, L815P.
Identifiers: ClinVar variation 1508136 (VCV001508136.9), dbSNP rs1204507146, ClinGen allele CA364696327.

ClinVar aggregate classification (germline): Uncertain significance. Review status: criteria provided, multiple submitters, no conflicts (2 of 4 stars). 3 submissions from 3 submitters: Uncertain significance (3). Last evaluated 2025-09-02.

Allele frequency attached by ClinVar (database versions not stated): gnomAD exomes below 0.00001; gnomAD 0.00001.
gnomAD v4.1: 2 of 1,614,094 alleles (0.00012%); highest among the groups gnomAD compares: Admixed American, 0.0033%; no homozygotes.

Submissions (3):

Labcorp Genetics (formerly Invitae), Labcorp
Classification: Uncertain significance. Last evaluated: 2025-09-02. Review status: criteria provided, single submitter. Criteria: Invitae Variant Classification Sherloc (09022015). Collection method: clinical testing. Allele origin: germline.
Comment: This sequence change replaces leucine, which is neutral and non-polar, with proline, which is neutral and non-polar, at codon 834 of the KCNQ5 protein (p.Leu834Pro). This variant is present in population databases (no rsID available, gnomAD 0.003%). This variant has not been reported in the literature in individuals affected with KCNQ5-related conditions. ClinVar contains an entry for this variant (Variation ID: 1508136). An algorithm developed to predict the effect of missense changes on protein structure and function (PolyPhen-2) suggests that this variant is likely to be disruptive. In summary, the available evidence is currently insufficient to determine the role of this variant in disease. Therefore, it has been classified as a Variant of Uncertain Significance.

Women's Health and Genetics/Laboratory Corporation of America, LabCorp
Classification: Uncertain significance. Last evaluated: 2023-10-10. Review status: criteria provided, single submitter. Criteria: LabCorp Variant Classification Summary - May 2015. Collection method: clinical testing. Allele origin: germline.
Comment: Variant summary: KCNQ5 c.2501T>C (p.Leu834Pro) results in a non-conservative amino acid change in the encoded protein sequence. Three of five in-silico tools predict a damaging effect of the variant on protein function. The variant allele was found at a frequency of 4e-06 in 251474 control chromosomes. The available data on variant occurrences in the general population are insufficient to allow any conclusion about variant significance. To our knowledge, no occurrence of c.2501T>C in individuals affected with Intellectual Disability, Autosomal Dominant 46 and no experimental evidence demonstrating its impact on protein function have been reported. Two submitters have cited clinical-significance assessments for this variant to ClinVar after 2014. All submitters classified the variant as uncertain significance. Based on the evidence outlined above, the variant was classified as uncertain significance.

GeneDx
Classification: Uncertain significance. Last evaluated: 2022-11-18. Review status: criteria provided, single submitter. Criteria: GeneDx Variant Classification Process June 2021. Collection method: clinical testing. Allele origin: germline. Affected: yes.
Comment: In silico analysis supports that this missense variant does not alter protein structure/function; Has not been previously published as pathogenic or benign to our knowledge